The following is an entry in ClinVar:

NM_001267550.2(TTN):c.7275C>G (p.Tyr2425Ter)

Genes: TTN (titin; minus strand), LOC126806433 (BRD4-independent group 4 enhancer GRCh37_chr2:179638309-179639508; plus strand). Cytogenetic location: 2q31.2.
Variant type: single nucleotide variant.
Coding change: c.7275C>G on transcript NM_001267550.2 (MANE Select); coding-DNA position 7275, C replaced by G.
Protein change: p.Tyr2425Ter; replaces tyrosine 2425 with a stop codon.
Molecular consequence: nonsense.
Genome position (GRCh38, 1-based): chr2:178,773,893, G>C on the plus strand (C>G on the coding strand, the complement: TTN is on the minus strand). VCF-style: chr2-178773893-G-C. GRCh37 (hg19) VCF-style: chr2-179638620-G-C.
Other names: c.7275C>G, p.Tyr2425Ter (NM_001256850.1, NM_133378.4, NM_133379.5); c.7137C>G, p.Tyr2379Ter (NM_003319.4, NM_133432.3, NM_133437.4); short protein forms Y2379*, Y2425*.
Identifiers: ClinVar variation 1933218 (VCV001933218.5), dbSNP rs2091883095, ClinGen allele CA349680638.

ClinVar aggregate classification (germline): Likely pathogenic (1 of 4 stars; one submission).

Conditions:
Dilated cardiomyopathy 1G (CMD1G). Identifiers: Orphanet 154, MedGen C1858763, MONDO:0011400, OMIM 604145.
Autosomal recessive limb-girdle muscular dystrophy type 2J (LGMDR10). Also called: Limb-girdle muscular dystrophy, type 2J; MUSCULAR DYSTROPHY, LIMB-GIRDLE, AUTOSOMAL RECESSIVE 10. Identifiers: Orphanet 140922, MedGen C1837342, MONDO:0012127, OMIM 608807.

Submission:

Labcorp Genetics (formerly Invitae), Labcorp
Classification: Likely pathogenic for Dilated cardiomyopathy 1G; Autosomal recessive limb-girdle muscular dystrophy type 2J. Last evaluated: 2024-11-04. Review status: criteria provided, single submitter. Criteria: Invitae Variant Classification Sherloc (09022015). Collection method: clinical testing. Allele origin: germline.
Comment: This sequence change creates a premature translational stop signal (p.Tyr2425*) in the TTN gene. While this is not anticipated to result in nonsense mediated decay, it is expected to create a truncated TTN protein. This variant is not present in population databases (gnomAD no frequency). This variant has not been observed in the literature in individuals with autosomal recessive TTN-related conditions. This variant has been reported in individual(s) with autosomal dominant dilated cardiomyopathy (internal data); however, the role of the variant in this condition is currently unclear. ClinVar contains an entry for this variant (Variation ID: 1933218). This variant is located in the I band of TTN (PMID: 25589632). Truncating variants in this region have been reported in individuals affected with autosomal recessive centronuclear myopathy (PMID: 23975875, internal data). Truncating variants in this region have also been identified in individuals affected with autosomal dominant dilated cardiomyopathy and/or cardio-related conditions (PMID: 27869827, 32964742, internal data). In summary, the currently available evidence indicates that the variant is pathogenic, but additional data are needed to prove that conclusively. Therefore, this variant has been classified as Likely Pathogenic.

Literature cited by the submitters: PubMed 25589632; PubMed 23975875; PubMed 27869827; PubMed 32964742.